The following is an entry in ClinVar:

ClinVar aggregate classification (germline): Pathogenic. Review status: criteria provided, single submitter (1 of 4 stars). 2 submissions from 2 submitters: Pathogenic (1). 1 of the submissions does not count toward it. Last evaluated 2022-10-06.

Conditions:
Sialidosis type 2. Also called: NEURAMINIDASE DEFICIENCY; Mucolipidosis type 1; NEU 1 deficiency; CHERRY RED SPOT--MYOCLONUS SYNDROME; ML I; NEU DEFICIENCY. Identifiers: Orphanet 812, Orphanet 87876, MedGen C4282398, MONDO:0009738, OMIM 256550.

gnomAD v4.1: 1 of 1,612,896 alleles (0.000062%); highest among the groups gnomAD compares: Non-Finnish European, 0.000085%; no homozygotes.

Submissions (2):

Labcorp Genetics (formerly Invitae), Labcorp
Classification: Pathogenic. Last evaluated: 2022-10-06. Review status: criteria provided, single submitter. Criteria: Invitae Variant Classification Sherloc (09022015). Collection method: clinical testing. Allele origin: germline.
Comment: This sequence change affects a donor splice site in intron 5 of the NEU1 gene. RNA analysis indicates that disruption of this splice site induces altered splicing and likely disrupts the C-terminus of the protein. This variant is not present in population databases (gnomAD no frequency). Disruption of this splice site has been observed in individual(s) with sialidosis (PMID: 11470272). ClinVar contains an entry for this variant (Variation ID: 2455). Variants that disrupt the consensus splice site are a relatively common cause of aberrant splicing (PMID: 17576681, 9536098). Studies have shown that disruption of this splice site results in skipping of exon 5 and introduces a new termination codon (PMID: 11470272). However the mRNA is not expected to undergo nonsense-mediated decay. For these reasons, this variant has been classified as Pathogenic.

OMIM
Classification: Pathogenic for SIALIDOSIS, TYPE II. Last evaluated: 2001-07-20. Review status: no assertion criteria provided. Collection method: literature only. Allele origin: germline. Not counted in ClinVar's aggregate classification.

Literature cited by the submitters: PubMed 11470272 (cited by Labcorp Genetics (formerly Invitae), Labcorp and OMIM); PubMed 17576681 (cited by Labcorp Genetics (formerly Invitae), Labcorp); PubMed 9536098 (cited by Labcorp Genetics (formerly Invitae), Labcorp).

NM_000434.4(NEU1):c.1021+1G>C

Gene: NEU1 (neuraminidase 1; minus strand). Cytogenetic location: 6p21.33.
Variant type: single nucleotide variant.
Coding change: c.1021+1G>C on transcript NM_000434.4 (MANE Select); the canonical splice donor site of the intron after coding-DNA position 1021, G replaced by C.
Molecular consequence: splice donor variant.
Genome position (GRCh38, 1-based): chr6:31,860,041, C>G on the plus strand (G>C on the coding strand, the complement: NEU1 is on the minus strand). VCF-style: chr6-31860041-C-G. GRCh37 (hg19) VCF-style: chr6-31827818-C-G.
Other names: IVSEDS, G-C, +1.
Identifiers: ClinVar variation 2455 (VCV000002455.7), dbSNP rs1486980139, ClinGen allele CA363486546.